The following is an entry in ClinVar:

ClinVar aggregate classification (germline): Conflicting classifications of pathogenicity. Review status: criteria provided, conflicting classifications (1 of 4 stars). 2 submissions from 2 submitters: Pathogenic (1); Uncertain significance (1). Last evaluated 2025-02-27.

Conditions:
Hereditary cancer-predisposing syndrome. Also called: Neoplastic Syndromes, Hereditary; Tumor predisposition; Hereditary Cancer Syndrome; Hereditary neoplastic syndrome. Identifiers: Orphanet 140162, MedGen C0027672, MeSH D009386, MONDO:0015356.
Hereditary breast ovarian cancer syndrome. Also called: Hereditary breast and ovarian cancer syndrome; Hereditary breast and ovarian cancer; Hereditary breast and ovarian cancer syndrome (HBOC); Breast and ovarian cancer; Hereditary breast and/or ovarian cancer syndrome; BRCA1- and BRCA2-Associated Hereditary Breast and Ovarian Cancer. Identifiers: Orphanet 145, MedGen C0677776, MeSH D061325, MONDO:0003582. Disease mechanism: loss of function.

Submissions (2):

Labcorp Genetics (formerly Invitae), Labcorp
Classification: Pathogenic for Hereditary breast ovarian cancer syndrome. Last evaluated: 2025-02-27. Review status: criteria provided, single submitter. Criteria: Invitae Variant Classification Sherloc (09022015). Collection method: clinical testing. Allele origin: germline.
Comment: This sequence change affects an acceptor splice site in intron 7 of the BRCA2 gene. RNA analysis indicates that disruption of this splice site induces altered splicing and may result in an absent or altered protein product. This variant is not present in population databases (gnomAD no frequency). Disruption of this splice site has been observed in individual(s) with BRCA2-related conditions (PMID: 19656164, 22798144, 29446198, 30613976). ClinVar contains an entry for this variant (Variation ID: 52062). Based on a multifactorial likelihood algorithm using genetic, in silico, and/or statistical data, this variant has been determined to have a high probability of being pathogenic (PMID: 31131967). Studies have shown that disruption of this splice site alters mRNA splicing and is expected to lead to the loss of protein expression (PMID: 18819001, 30883759). For these reasons, this variant has been classified as Pathogenic.

Ambry Genetics
Classification: Uncertain significance for Hereditary cancer-predisposing syndrome. Last evaluated: 2024-04-08. Review status: criteria provided, single submitter. Criteria: Ambry Variant Classification Scheme 2023. Collection method: clinical testing. Allele origin: germline.
Comment: The c.632-1G>T intronic variant results from a G to T substitution one nucleotide upstream from coding exon 7 of the BRCA2 gene. This variant has been detected in multiple breast cancer cohorts (Seong MW et al. Clin Genet, 2009 Aug;76:152-60; Kim H et al. Breast Cancer Res Treat, 2012 Aug;134:1315-26; Dorling et al. N Engl J Med. 2021 02;384:428-439), as well as an individual with prostate cancer (Edwards SM et al. Br J Cancer, 2010 Sep;103:918-24). This variant is considered to be rare based on population cohorts in the Genome Aggregation Database (gnomAD). This nucleotide position is highly conserved in available vertebrate species. In silico splice site analysis predicts that this alteration will weaken the native splice acceptor site and will result in the creation or strengthening of a novel splice acceptor site. RNA experiments have shown coding exon 7 splicing alterations to express an in-frame transcript, known as 6q39_8 in the literature (Ambry internal data). This transcript has been shown to be able to perform homology directed repair in protein functional studies at a near wild-type level (Mesman, RLS et al. Genet Med 2020 08;22(8):1355-1365). Since supporting evidence is conflicting at this time, the clinical significance of this alteration remains unclear.

Literature cited by the submitters: PubMed 19656164 (cited by Labcorp Genetics (formerly Invitae), Labcorp and Ambry Genetics); PubMed 22798144 (cited by Labcorp Genetics (formerly Invitae), Labcorp and Ambry Genetics); PubMed 29446198 (cited by Labcorp Genetics (formerly Invitae), Labcorp); PubMed 30613976 (cited by Labcorp Genetics (formerly Invitae), Labcorp); PubMed 31131967 (cited by Labcorp Genetics (formerly Invitae), Labcorp); PubMed 18819001 (cited by Labcorp Genetics (formerly Invitae), Labcorp); PubMed 30883759 (cited by Labcorp Genetics (formerly Invitae), Labcorp); PubMed 20736950 (cited by Ambry Genetics); PubMed 32398771 (cited by Ambry Genetics); PubMed 33471991 (cited by Ambry Genetics).

NM_000059.4(BRCA2):c.632-1G>T

Gene: BRCA2 (BRCA2 DNA repair associated; plus strand). Cytogenetic location: 13q13.1.
Variant type: single nucleotide variant.
Coding change: c.632-1G>T on transcript NM_000059.4 (MANE Select); the canonical splice acceptor site of the intron before coding-DNA position 632, G replaced by T.
Molecular consequence: splice acceptor variant.
Genome position (GRCh38, 1-based): chr13:32,329,442, G>T. VCF-style: chr13-32329442-G-T. GRCh37 (hg19) VCF-style: chr13-32903579-G-T.
Other names: c.632-1G>T (NM_001406720.1, NM_001406719.1, NM_001406721.1); c.263-1G>T (NM_001406722.1).
Identifiers: ClinVar variation 52062 (VCV000052062.18), dbSNP rs81002820, ClinGen allele CA023888.